The following is an entry in ClinVar:

NM_005235.3(ERBB4):c.3710T>A (p.Phe1237Tyr)

Gene: ERBB4 (erb-b2 receptor tyrosine kinase 4; minus strand). Cytogenetic location: 2q34.
Variant type: single nucleotide variant.
Coding change: c.3710T>A on transcript NM_005235.3 (MANE Select); coding-DNA position 3710, T replaced by A.
Protein change: p.Phe1237Tyr; replaces phenylalanine 1237 with tyrosine.
Molecular consequence: missense variant.
Genome position (GRCh38, 1-based): chr2:211,383,832, A>T on the plus strand (T>A on the coding strand, the complement: ERBB4 is on the minus strand). VCF-style: chr2-211383832-A-T. GRCh37 (hg19) VCF-style: chr2-212248557-A-T.
Other names: c.3662T>A, p.Phe1221Tyr (NM_001042599.2); short protein forms F1221Y, F1237Y.
Identifiers: ClinVar variation 3344519 (VCV003344519.1).

ClinVar aggregate classification (germline): Uncertain significance (0 of 4 stars; one submission).

Conditions:
ERBB4-related disorder. Also called: ERBB4-related condition.

Submission:

PreventionGenetics, part of Exact Sciences
Classification: Uncertain significance for ERBB4-related condition. Last evaluated: 2024-07-01. Review status: no assertion criteria provided. Collection method: clinical testing. Allele origin: germline.
Comment: The ERBB4 c.3710T>A variant is predicted to result in the amino acid substitution p.Phe1237Tyr. To our knowledge, this variant has not been reported in the literature or in a large population database, indicating this variant is rare. At this time, the clinical significance of this variant is uncertain due to the absence of conclusive functional and genetic evidence.